The following is an entry in ClinVar:

NM_000540.3(RYR1):c.11639C>T (p.Thr3880Ile)

Gene: RYR1 (ryanodine receptor 1; plus strand). Cytogenetic location: 19q13.2.
Variant type: single nucleotide variant.
Coding change: c.11639C>T on transcript NM_000540.3 (MANE Select); coding-DNA position 11639, C replaced by T.
Protein change: p.Thr3880Ile; replaces threonine 3880 with isoleucine.
Molecular consequence: missense variant.
Genome position (GRCh38, 1-based): chr19:38,537,910, C>T. VCF-style: chr19-38537910-C-T. GRCh37 (hg19) VCF-style: chr19-39028550-C-T.
Other names: c.11624C>T, p.Thr3875Ile (NM_001042723.2); short protein forms T3875I, T3880I.
Identifiers: ClinVar variation 4758504 (VCV004758504.1).

ClinVar aggregate classification (germline): Uncertain significance (1 of 4 stars; one submission).

Conditions:
Malignant hyperthermia, susceptibility to, 1 (MHS1). Also called: RYR1-Related Malignant Hyperthermia Susceptibility; Malignant hyperthermia suceptibility 1; Anesthesia related hyperthermia; Malignant hyperpyrexia; Fulminating hyperpyrexia; Pharmacogenic myopathy. Identifiers: Orphanet 423, MedGen C2930980, MONDO:0007783, OMIM 145600.

Submission:

Color Diagnostics, LLC DBA Color Health
Classification: Uncertain significance for Malignant hyperthermia, susceptibility to, 1. Last evaluated: 2025-07-28. Review status: criteria provided, single submitter. Criteria: ACMG Guidelines, 2015. Collection method: clinical testing. Allele origin: germline.
Comment: This missense variant replaces threonine with isoleucine at codon 3880 of the RYR1 protein. Computational prediction suggests that this variant may have deleterious impact on protein structure and function. To our knowledge, functional studies have not been reported for this variant. This variant has not been reported in individuals affected with RYR1-related disorders in the literature. This variant has not been identified in the general population by the Genome Aggregation Database (gnomAD). The available evidence is insufficient to determine the role of this variant in disease conclusively. Therefore, this variant is classified as a Variant of Uncertain Significance.